The following is an entry in ClinVar:

NM_000130.5(F5):c.816C>T (p.Asn272=)

Gene: F5 (coagulation factor V; minus strand). Cytogenetic location: 1q24.2.
Variant type: single nucleotide variant.
Coding change: c.816C>T on transcript NM_000130.5 (MANE Select); coding-DNA position 816, C replaced by T.
Protein change: p.Asn272=; no amino-acid change (asparagine 272 retained).
Molecular consequence: synonymous variant.
Genome position (GRCh38, 1-based): chr1:169,556,782, G>A on the plus strand (C>T on the coding strand, the complement: F5 is on the minus strand). VCF-style: chr1-169556782-G-A. GRCh37 (hg19) VCF-style: chr1-169526020-G-A.
Other names: p.Asn272=.
Identifiers: ClinVar variation 255217 (VCV000255217.16), dbSNP rs9332578, ClinGen allele CA1234507.
Genomic context (GRCh38, chr1:169,556,782, plus strand): 5'-TGTAGCACTGACAAGGGTGATGGCTGAGACCTTATGATGGTTCTGCTCCAGGACCTGGCC[G>A]TTGAAATGAATGGAGAATAATTCTGGCCCCGAGCTCATTCCCAGCAGATGCCAGCTGATG-3'
Protein context (NP_000121.2, residues 262-282): SGPELFSIHF[Asn272=]GQVLEQNHHK

ClinVar aggregate classification (germline): Benign/Likely benign. Review status: criteria provided, multiple submitters, no conflicts (2 of 4 stars). 7 submissions from 5 submitters: Benign (5); Likely benign (2). Last evaluated 2026-01-27.

Conditions:
Thrombophilia due to thrombin defect (THPH1). Also called: Thrombosis susceptibility; THROMBOPHILIA DUE TO FACTOR 2 DEFECT; Prothrombin-Related Thrombophilia (Factor II); Prothrombin Thrombophilia. Identifiers: MedGen C3160733, MONDO:0008559, OMIM 188050. Disease mechanism: gain of function, loss of function.
Congenital factor V deficiency. Also called: LABILE FACTOR DEFICIENCY; OWREN PARAHEMOPHILIA; PARAHEMOPHILIA; Hereditary factor V deficiency disease. Identifiers: Orphanet 326, MedGen C0015499, MONDO:0009210, OMIM 227400.
Budd-Chiari syndrome (BDCHS). Also called: Hepatic vein obstruction. Identifiers: Orphanet 131, MedGen C0856761, MONDO:0010947, OMIM 600880, HP:0002639.
Factor V deficiency. Also called: Reduced coagulation factor V activity. Identifiers: Orphanet 326, MedGen C4317320, MONDO:0020586, HP:0003225.

Allele frequency attached by ClinVar (database versions not stated): gnomAD exomes 0.00279; ExAC 0.00329; 1000 Genomes Project 0.00899; 1000 Genomes Project 30x 0.00953; gnomAD 0.01106 and 0.01203; ESP Exome Variant Server 0.01192; TOPMed 0.01213.
gnomAD v4.1: 3,370 of 1,614,086 alleles (0.21%); highest among the groups gnomAD compares: African/African-American, 3.9%; 56 homozygotes.

Submissions (7):

Labcorp Genetics (formerly Invitae), Labcorp
Classification: Benign for Congenital factor V deficiency. Last evaluated: 2026-01-27. Review status: criteria provided, single submitter. Criteria: Invitae Variant Classification Sherloc (09022015). Collection method: clinical testing. Allele origin: germline.

Mayo Clinic Laboratories, Mayo Clinic
Classification: Benign. Last evaluated: 2025-07-17. Review status: criteria provided, single submitter. Criteria: ACMG Guidelines, 2015. Collection method: clinical testing. Allele origin: germline. Observed: 1 variant allele.
Comment: BS1, BS2, BP4

Illumina Laboratory Services, Illumina
Classification: Benign for Budd-Chiari syndrome. Last evaluated: 2018-01-12. Review status: criteria provided, single submitter. Criteria: ICSL Variant Classification Criteria 13 December 2019. Collection method: clinical testing. Allele origin: germline.
Comment: This variant was observed in the ICSL laboratory as part of a predisposition screen in an ostensibly healthy population. It had not been previously curated by ICSL or reported in the Human Gene Mutation Database (HGMD: prior to June 1st, 2018), and was therefore a candidate for classification through an automated scoring system. Utilizing variant allele frequency, disease prevalence and penetrance estimates, and inheritance mode, an automated score was calculated to assess if this variant is too frequent to cause the disease. Based on the score and internal cut-off values, a variant classified as benign is not then subjected to further curation. The score for this variant resulted in a classification of benign for this disease.

Illumina Laboratory Services, Illumina
Classification: Likely benign for Venous thrombosis. Last evaluated: 2018-01-12. Review status: criteria provided, single submitter. Criteria: ICSL Variant Classification Criteria 13 December 2019. Collection method: clinical testing. Allele origin: germline.
Comment: This variant was observed in the ICSL laboratory as part of a predisposition screen in an ostensibly healthy population. It had not been previously curated by ICSL or reported in the Human Gene Mutation Database (HGMD: prior to June 1st, 2018), and was therefore a candidate for classification through an automated scoring system. Utilizing variant allele frequency, disease prevalence and penetrance estimates, and inheritance mode, an automated score was calculated to assess if this variant is too frequent to cause the disease. Based on the score and internal cut-off values, a variant classified as likely benign is not then subjected to further curation. The score for this variant resulted in a classification of likely benign for this disease.

Illumina Laboratory Services, Illumina
Classification: Benign for Congenital factor V deficiency. Last evaluated: 2018-01-12. Review status: criteria provided, single submitter. Criteria: ICSL Variant Classification Criteria 13 December 2019. Collection method: clinical testing. Allele origin: germline.
Comment: the same text as in the submission from Illumina Laboratory Services, Illumina above.

Breakthrough Genomics
Classification: Likely benign. Review status: criteria provided, single submitter. Criteria: ACMG Guidelines, 2015. Collection method: not provided. Allele origin: germline. Inheritance: Autosomal recessive inheritance. Affected: yes.

PreventionGenetics, part of Exact Sciences
Classification: Benign. Review status: criteria provided, single submitter. Criteria: ACMG Guidelines, 2015. Collection method: clinical testing. Allele origin: germline.